The following is an entry in ClinVar:

NC_000007.13:g.(?_6010555)_(6048681_?)dup

Gene: PMS2 (PMS1 homolog 2, mismatch repair system component; minus strand). Cytogenetic location: 7p22.1.
Variant type: Duplication.
Identifiers: ClinVar variation 4853002 (VCV004853002.1).

ClinVar aggregate classification (germline): Likely benign (1 of 4 stars; one submission).

Submission:

Women's Health and Genetics/Laboratory Corporation of America, LabCorp
Classification: Likely benign. Last evaluated: 2026-05-18. Review status: criteria provided, single submitter. Criteria: LabCorp Variant Classification Summary - May 2015. Collection method: clinical testing. Allele origin: germline.
Comment: Variant summary: The variant involves the duplication of exons 1-15 in the PMS2 gene. A presumed nomenclature of c.(?_-31)_(*2475_?)dup has been designated for the purposes of this classification. This duplication includes the entire coding sequence of the gene. As exact breakpoints are unknown, it may extend beyond the annotated region of the gene, to include other flanking genes. A large duplication (size: ~310 kb), which encompasses the entire gene (together with neighboring genes) was found at a frequency of 0.00014 in 123612 control chromosomes in the gnomAD database (Structural Variants v4.1 dataset), including 1 (perceived) homozygote. In addition, a similar large duplication was also reported in the Database of Genomic Variants (Gold Standard Variants), with a carrier frequency of 0.0005. The observed variant frequency exceeds the estimated maximal expected allele frequency for disease-causing variants in PMS2. Duplication of the PMS2 gene has been observed in individuals with personal and/or family history of PMS2-related conditions (e.g. Sjursen_2024). However, these report(s) do not provide unequivocal conclusions about association of the variant with disease. To our knowledge, no experimental evidence demonstrating an impact on protein function has been reported. The following publications have been ascertained in the context of this evaluation (PMID: 29792936, 39334433, 41488399). ClinVar contains entries for this variant (e.g. Variation IDs: 3245667; 1705147). Based on the evidence outlined above, the variant was classified as likely benign.

Literature cited by the submitters: PubMed 29792936; PubMed 39334433; PubMed 41488399.